The following is an entry in ClinVar:

NM_001382430.1(AKT1):c.511G>A (p.Ala171Thr)

Gene: AKT1 (AKT serine/threonine kinase 1; minus strand). Cytogenetic location: 14q32.33.
Variant type: single nucleotide variant.
Coding change: c.511G>A on transcript NM_001382430.1 (MANE Select); coding-DNA position 511, G replaced by A.
Protein change: p.Ala171Thr; replaces alanine 171 with threonine.
Molecular consequence: missense variant.
Genome position (GRCh38, 1-based): chr14:104,775,132, C>T on the plus strand (G>A on the coding strand, the complement: AKT1 is on the minus strand). VCF-style: chr14-104775132-C-T. GRCh37 (hg19) VCF-style: chr14-105241469-C-T.
Other names: c.511G>A, p.Ala171Thr (NM_001014431.2, NM_001014432.2, NM_001382431.1 and 3 more transcripts); short protein forms A171T.
Identifiers: ClinVar variation 1495054 (VCV001495054.9), dbSNP rs1016707349, ClinGen allele CA267349927.

ClinVar aggregate classification (germline): Uncertain significance. Review status: criteria provided, multiple submitters, no conflicts (2 of 4 stars). 2 submissions from 2 submitters: Uncertain significance (2). Last evaluated 2025-06-04.

Conditions:
Cowden syndrome 6 (CWS6). Identifiers: Orphanet 201, MedGen C3554519, MONDO:0014048, OMIM 615109.
Proteus syndrome. Also called: ELATTOPROTEUS SYNDROME; Macrocephaly mesodermal hamartoma spectrum; Hemihypertrophy and macrocephaly; Partial gigantism of hands and feet, nevi, hemihypertrophy, macrocephaly; GIGANTISM, PARTIAL, OF HANDS AND FEET, NEVI, HEMIHYPERTROPHY, AND MACROCEPHALY; PROTEUS SYNDROME, SOMATIC. Identifiers: Orphanet 744, MedGen C0085261, MONDO:0008318, OMIM 176920. Disease mechanism: loss of function, gain of function.
Ovarian cancer. Also called: OVARIAN CANCER, SOMATIC. Identifiers: Orphanet 213500, MedGen C1140680, MONDO:0008170, OMIM 167000.
Colorectal cancer. Also called: Colorectal cancer, somatic; Malignant Colorectal Neoplasm. Identifiers: MedGen C0346629, MONDO:0005575, OMIM 114500.
Familial cancer of breast. Also called: BREAST CANCER, FAMILIAL; Hereditary breast cancer; hereditary breast carcinoma. Identifiers: Orphanet 227535, MedGen C0346153, MONDO:0016419, OMIM 114480. Disease mechanism: loss of function.

Allele frequency attached by ClinVar (database versions not stated): gnomAD exomes below 0.00001 and 0.00002; gnomAD 0.00001 and 0.00002.

Submissions (2):

Labcorp Genetics (formerly Invitae), Labcorp
Classification: Uncertain significance for Cowden syndrome 6. Last evaluated: 2025-06-04. Review status: criteria provided, single submitter. Criteria: Invitae Variant Classification Sherloc (09022015). Collection method: clinical testing. Allele origin: germline.
Comment: This sequence change replaces alanine, which is neutral and non-polar, with threonine, which is neutral and polar, at codon 171 of the AKT1 protein (p.Ala171Thr). This variant is present in population databases (no rsID available, gnomAD 0.0009%). This variant has not been reported in the literature in individuals affected with AKT1-related conditions. ClinVar contains an entry for this variant (Variation ID: 1495054). An algorithm developed to predict the effect of missense changes on protein structure and function (PolyPhen-2) suggests that this variant is likely to be tolerated. In summary, the available evidence is currently insufficient to determine the role of this variant in disease. Therefore, it has been classified as a Variant of Uncertain Significance.

Fulgent Genetics
Classification: Uncertain significance for Familial cancer of breast; Colorectal cancer; Ovarian cancer; Proteus syndrome; Cowden syndrome 6. Last evaluated: 2024-01-11. Review status: criteria provided, single submitter. Criteria: ACMG Guidelines, 2015. Collection method: clinical testing. Allele origin: germline.